The following is an entry in ClinVar:

NM_001363711.2(DUOX2):c.197C>T (p.Ala66Val)

Gene: DUOX2 (dual oxidase 2; minus strand). Cytogenetic location: 15q21.1.
Variant type: single nucleotide variant.
Coding change: c.197C>T on transcript NM_001363711.2 (MANE Select); coding-DNA position 197, C replaced by T.
Protein change: p.Ala66Val; replaces alanine 66 with valine.
Molecular consequence: missense variant.
Genome position (GRCh38, 1-based): chr15:45,112,682, G>A on the plus strand (C>T on the coding strand, the complement: DUOX2 is on the minus strand). VCF-style: chr15-45112682-G-A. GRCh37 (hg19) VCF-style: chr15-45404880-G-A.
Other names: c.197C>T, p.Ala66Val (NM_014080.5); short protein forms A66V.
Identifiers: ClinVar variation 1358084 (VCV001358084.7), dbSNP rs746743134, ClinGen allele CA7539074.

ClinVar aggregate classification (germline): Uncertain significance (1 of 4 stars; one submission).

Allele frequency attached by ClinVar (database versions not stated): gnomAD exomes 0.00001 and below 0.00001; ExAC 0.00001.
gnomAD v4.1: 5 of 1,612,644 alleles (0.00031%); highest among the groups gnomAD compares: South Asian, 0.0055%; no homozygotes.

Submission:

Labcorp Genetics (formerly Invitae), Labcorp
Classification: Uncertain significance. Last evaluated: 2026-01-05. Review status: criteria provided, single submitter. Criteria: Invitae Variant Classification Sherloc (09022015). Collection method: clinical testing. Allele origin: germline.
Comment: This sequence change replaces alanine, which is neutral and non-polar, with valine, which is neutral and non-polar, at codon 66 of the DUOX2 protein (p.Ala66Val). This variant is present in population databases (rs746743134, gnomAD 0.003%). This variant has not been reported in the literature in individuals affected with DUOX2-related conditions. ClinVar contains an entry for this variant (Variation ID: 1358084). Invitae Evidence Modeling of protein sequence and biophysical properties (such as structural, functional, and spatial information, amino acid conservation, physicochemical variation, residue mobility, and thermodynamic stability) indicates that this missense variant is not expected to disrupt DUOX2 protein function with a negative predictive value of 80%. In summary, the available evidence is currently insufficient to determine the role of this variant in disease. Therefore, it has been classified as a Variant of Uncertain Significance.